The following is an entry in ClinVar:

NM_014271.4(IL1RAPL1):c.804A>C (p.Arg268Ser)

Gene: IL1RAPL1 (interleukin 1 receptor accessory protein like 1; plus strand). Cytogenetic location: Xp21.2.
Variant type: single nucleotide variant.
Coding change: c.804A>C on transcript NM_014271.4 (MANE Select); coding-DNA position 804, A replaced by C.
Protein change: p.Arg268Ser; replaces arginine 268 with serine.
Molecular consequence: missense variant.
Genome position (GRCh38, 1-based): chrX:29,917,489, A>C. VCF-style: chrX-29917489-A-C. GRCh37 (hg19) VCF-style: chrX-29935606-A-C.
Other names: short protein forms R268S.
Identifiers: ClinVar variation 1215238 (VCV001215238.11), dbSNP rs1198210140, ClinGen allele CA412635786.

ClinVar aggregate classification (germline): Conflicting classifications of pathogenicity. Review status: criteria provided, conflicting classifications (1 of 4 stars). 4 submissions from 4 submitters: Uncertain significance (3); Likely benign (1). Last evaluated 2025-01-06.

Conditions:
Inborn genetic diseases. Identifiers: MedGen C0950123, MeSH D030342.

Allele frequency attached by ClinVar (database versions not stated): gnomAD exomes below 0.00001 and 0.00001; gnomAD 0.00001; TOPMed 0.00004.
gnomAD v4.1: 6 of 1,206,993 alleles (0.0005%); highest among the groups gnomAD compares: Admixed American, 0.013%; no homozygotes.

Submissions (4):

Labcorp Genetics (formerly Invitae), Labcorp
Classification: Uncertain significance. Last evaluated: 2025-01-06. Review status: criteria provided, single submitter. Criteria: Invitae Variant Classification Sherloc (09022015). Collection method: clinical testing. Allele origin: germline.
Comment: This sequence change replaces arginine, which is basic and polar, with serine, which is neutral and polar, at codon 268 of the IL1RAPL1 protein (p.Arg268Ser). This variant is present in population databases (no rsID available, gnomAD 0.004%), including at least one homozygous and/or hemizygous individual. This variant has not been reported in the literature in individuals affected with IL1RAPL1-related conditions. ClinVar contains an entry for this variant (Variation ID: 1215238). An algorithm developed to predict the effect of missense changes on protein structure and function (PolyPhen-2) suggests that this variant¬†is likely to be tolerated. In summary, the available evidence is currently insufficient to determine the role of this variant in disease. Therefore, it has been classified as a Variant of Uncertain Significance.

Women's Health and Genetics/Laboratory Corporation of America, LabCorp
Classification: Uncertain significance. Last evaluated: 2024-02-07. Review status: criteria provided, single submitter. Criteria: LabCorp Variant Classification Summary - May 2015. Collection method: clinical testing. Allele origin: germline.
Comment: Variant summary: IL1RAPL1 c.804A>C (p.Arg268Ser) results in a non-conservative amino acid change located in the Immunoglobulin subtype 2 domain (IPR003598) of the encoded protein sequence. Three of five in-silico tools predict a benign effect of the variant on protein function. The variant allele was found at a frequency of 5.5e-06 in 183157 control chromosomes, including 1 hemizygote in gnomAD. The available data on variant occurrences in the general population are insufficient to allow any conclusion about variant significance. To our knowledge, no occurrence of c.804A>C in individuals affected with Intellectual disability, X-linked 21 and no experimental evidence demonstrating its impact on protein function have been reported. ClinVar contains an entry for this variant (Variation ID: 1215238). Based on the evidence outlined above, the variant was classified as uncertain significance.

Ambry Genetics
Classification: Uncertain significance for Inborn genetic diseases. Last evaluated: 2023-12-15. Review status: criteria provided, single submitter. Criteria: Ambry Variant Classification Scheme 2023. Collection method: clinical testing. Allele origin: germline.

GeneDx
Classification: Likely benign. Last evaluated: 2019-08-26. Review status: criteria provided, single submitter. Criteria: GeneDx Variant Classification Process June 2021. Collection method: clinical testing. Allele origin: germline. Affected: yes.